The following is an entry in ClinVar:

NM_001271.4(CHD2):c.623C>T (p.Ser208Phe)

Gene: CHD2 (chromodomain helicase DNA binding protein 2; plus strand). Cytogenetic location: 15q26.1.
Variant type: single nucleotide variant.
Coding change: c.623C>T on transcript NM_001271.4 (MANE Select); coding-DNA position 623, C replaced by T.
Protein change: p.Ser208Phe; replaces serine 208 with phenylalanine.
Molecular consequence: missense variant.
Genome position (GRCh38, 1-based): chr15:92,939,649, C>T. VCF-style: chr15-92939649-C-T. GRCh37 (hg19) VCF-style: chr15-93482879-C-T.
Other names: c.623C>T, p.Ser208Phe (NM_001042572.3); short protein forms S208F.
Identifiers: ClinVar variation 957834 (VCV000957834.10), dbSNP rs2053325261, ClinGen allele CA393900124.

ClinVar aggregate classification (germline): Uncertain significance (1 of 4 stars; one submission).

Conditions:
Developmental and epileptic encephalopathy 94 (DEE94). Also called: Epileptic encephalopathy, childhood-onset; CHD2-Related Neurodevelopmental Disorders. Identifiers: Orphanet 1942, Orphanet 2382, MedGen C3809278, MONDO:0014150, OMIM 615369.

Allele frequency attached by ClinVar (database versions not stated): gnomAD exomes below 0.00001; gnomAD 0.00001.
gnomAD v4.1: 2 of 1,613,986 alleles (0.00012%); highest among the groups gnomAD compares: African/African-American, 0.0013%; no homozygotes.

Submission:

Labcorp Genetics (formerly Invitae), Labcorp
Classification: Uncertain significance for Developmental and epileptic encephalopathy 94. Last evaluated: 2020-02-07. Review status: criteria provided, single submitter. Criteria: Invitae Variant Classification Sherloc (09022015). Collection method: clinical testing. Allele origin: germline.
Comment: In summary, the available evidence is currently insufficient to determine the role of this variant in disease. Therefore, it has been classified as a Variant of Uncertain Significance. Algorithms developed to predict the effect of missense changes on protein structure and function (SIFT, PolyPhen-2, Align-GVGD) all suggest that this variant is likely to be disruptive, but these predictions have not been confirmed by published functional studies and their clinical significance is uncertain. This variant has not been reported in the literature in individuals with CHD2-related conditions. This variant is not present in population databases (ExAC no frequency). This sequence change replaces serine with phenylalanine at codon 208 of the CHD2 protein (p.Ser208Phe). The serine residue is highly conserved and there is a large physicochemical difference between serine and phenylalanine.